The following is an entry in ClinVar:

ClinVar aggregate classification (germline): Uncertain significance (1 of 4 stars; one submission).

Submission:

Labcorp Genetics (formerly Invitae), Labcorp
Classification: Uncertain significance. Last evaluated: 2022-11-03. Review status: criteria provided, single submitter. Criteria: Invitae Variant Classification Sherloc (09022015). Collection method: clinical testing. Allele origin: unknown.
Comment: In summary, the available evidence is currently insufficient to determine the role of this variant in disease. Therefore, it has been classified as a Variant of Uncertain Significance. Experimental studies and prediction algorithms are not available or were not evaluated, and the functional significance of this variant is currently unknown. This variant has not been reported in the literature in individuals affected with DNA2-related conditions. This variant results in a copy number gain of the genomic region encompassing exon(s) 11-20 of the DNA2 gene. While the exact position of this variant cannot be determined from the data, sub-genic copy number gains are generally in tandem (PMID: 25640679). This variant is predicted to be out-of-frame, and may result in an absent or disrupted protein product. However, the current clinical and genetic evidence is not sufficient to establish whether loss-of-function variants in DNA2 cause disease.

Literature cited by the submitters: PubMed 25640679.

NC_000010.10:g.(?_70176446)_(70192287_?)dup

Gene: DNA2 (DNA replication helicase/nuclease 2; minus strand). Cytogenetic location: 10q21.3.
Variant type: Duplication.
Identifiers: ClinVar variation 3244960 (VCV003244960.1).